The following is an entry in ClinVar:

NM_001379500.1(COL18A1):c.3836C>T (p.Ser1279Leu)

Genes: COL18A1 (collagen type XVIII alpha 1 chain; plus strand), SLC19A1 (solute carrier family 19 member 1; minus strand). Cytogenetic location: 21q22.3.
Variant type: single nucleotide variant.
Coding change: c.3836C>T on transcript NM_001379500.1 (MANE Select); coding-DNA position 3836, C replaced by T.
Protein change: p.Ser1279Leu; replaces serine 1279 with leucine.
Molecular consequence: missense variant.
Genome position (GRCh38, 1-based): chr21:45,512,214, C>T. VCF-style: chr21-45512214-C-T. GRCh37 (hg19) VCF-style: chr21-46932128-C-T.
Other names: c.4367C>T, p.Ser1456Leu (NM_030582.4); c.5072C>T, p.Ser1691Leu (NM_130444.3); short protein forms S1691L, S1279L, S1456L.
Identifiers: ClinVar variation 3716729 (VCV003716729.2).

ClinVar aggregate classification (germline): Uncertain significance (1 of 4 stars; one submission).

gnomAD v4.1: 4 of 1,612,400 alleles (0.00025%); highest among the groups gnomAD compares: Non-Finnish European, 0.000085%; no homozygotes.

Submission:

Labcorp Genetics (formerly Invitae), Labcorp
Classification: Uncertain significance. Last evaluated: 2025-04-27. Review status: criteria provided, single submitter. Criteria: Invitae Variant Classification Sherloc (09022015). Collection method: clinical testing. Allele origin: germline.
Comment: This sequence change replaces serine, which is neutral and polar, with leucine, which is neutral and non-polar, at codon 1276 of the COL18A1 protein (p.Ser1276Leu). The frequency data for this variant in the population databases is considered unreliable, as metrics indicate poor data quality at this position in the gnomAD database. This variant has not been reported in the literature in individuals affected with COL18A1-related conditions. ClinVar contains an entry for this variant (Variation ID: 3716729). Experimental studies and prediction algorithms are not available or were not evaluated, and the functional significance of this variant is currently unknown. In summary, the available evidence is currently insufficient to determine the role of this variant in disease. Therefore, it has been classified as a Variant of Uncertain Significance.